The following is an entry in ClinVar:

NM_022765.4(MICAL1):c.930C>T (p.Arg310=)

Gene: MICAL1 (microtubule associated monooxygenase, calponin and LIM domain containing 1; minus strand). Cytogenetic location: 6q21.
Variant type: single nucleotide variant.
Coding change: c.930C>T on transcript NM_022765.4 (MANE Select); coding-DNA position 930, C replaced by T.
Protein change: p.Arg310=; no amino-acid change (arginine 310 retained).
Molecular consequence: synonymous variant.
Genome position (GRCh38, 1-based): chr6:109,451,603, G>A on the plus strand (C>T on the coding strand, the complement: MICAL1 is on the minus strand). VCF-style: chr6-109451603-G-A. GRCh37 (hg19) VCF-style: chr6-109772806-G-A.
Other names: c.930C>T, p.Arg310= (NM_001159291.2); c.987C>T, p.Arg329= (NM_001286613.2).
Identifiers: ClinVar variation 1582740 (VCV001582740.9), dbSNP rs368296646, ClinGen allele CA3953562.

ClinVar aggregate classification (germline): Likely benign. Review status: criteria provided, multiple submitters, no conflicts (2 of 4 stars). 2 submissions from 2 submitters: Likely benign (2). Last evaluated 2026-08-01.

Allele frequency attached by ClinVar (database versions not stated): gnomAD exomes 0.00019 and 0.00017; TOPMed 0.00029; gnomAD 0.00032 and 0.00034; ESP Exome Variant Server 0.00008; ExAC 0.00010.
gnomAD v4.1: 316 of 1,613,632 alleles (0.02%); highest among the groups gnomAD compares: Admixed American, 0.1%; no homozygotes.

Submissions (2):

CeGaT Center for Human Genetics Tuebingen
Classification: Likely benign. Last evaluated: 2026-08-01. Review status: criteria provided, single submitter. Criteria: CeGaT Center For Human Genetics Tuebingen Variant Classification Criteria Version 2. Collection method: clinical testing. Allele origin: germline. Affected: yes. Observed: 1 variant allele.
Comment: MICAL1: BP4, BP7

Labcorp Genetics (formerly Invitae), Labcorp
Classification: Likely benign. Last evaluated: 2025-12-29. Review status: criteria provided, single submitter. Criteria: Invitae Variant Classification Sherloc (09022015). Collection method: clinical testing. Allele origin: germline.